The following is an entry in ClinVar:

ClinVar aggregate classification (germline): Conflicting classifications of pathogenicity. Review status: criteria provided, conflicting classifications (1 of 4 stars). 3 submissions from 3 submitters: Uncertain significance (2); Likely benign (1). Last evaluated 2025-04-07.

Conditions:
MTOR-related disorder. Also called: MTOR-related condition.
Inborn genetic diseases. Identifiers: MedGen C0950123, MeSH D030342.

Allele frequency attached by ClinVar (database versions not stated): gnomAD exomes below 0.00001; ExAC 0.00001; gnomAD 0.00002; TOPMed 0.00002.
gnomAD v4.1: 4 of 1,614,066 alleles (0.00025%); highest among the groups gnomAD compares: African/African-American, 0.0027%; no homozygotes.

Submissions (3):

PreventionGenetics, part of Exact Sciences
Classification: Uncertain significance for MTOR-related condition. Last evaluated: 2025-04-07. Review status: criteria provided, single submitter. Criteria: ACMG Guidelines, 2015. Collection method: clinical testing. Allele origin: germline.
Comment: The MTOR c.2792C>T variant is predicted to result in the amino acid substitution p.Thr931Ile. To our knowledge, this variant has not been reported in the literature. This variant is reported in 0.0062% of alleles in individuals of African descent in gnomAD. At this time, the clinical significance of this variant is uncertain due to the absence of conclusive functional and genetic evidence.

Ambry Genetics
Classification: Uncertain significance for Inborn genetic diseases. Last evaluated: 2024-10-16. Review status: criteria provided, single submitter. Criteria: Ambry Variant Classification Scheme 2023. Collection method: clinical testing. Allele origin: germline.

Labcorp Genetics (formerly Invitae), Labcorp
Classification: Likely benign. Last evaluated: 2022-08-16. Review status: criteria provided, single submitter. Criteria: Invitae Variant Classification Sherloc (09022015). Collection method: clinical testing. Allele origin: germline.

NM_004958.4(MTOR):c.2792C>T (p.Thr931Ile)

Gene: MTOR (mechanistic target of rapamycin kinase; minus strand). Cytogenetic location: 1p36.22.
Variant type: single nucleotide variant.
Coding change: c.2792C>T on transcript NM_004958.4 (MANE Select); coding-DNA position 2792, C replaced by T.
Protein change: p.Thr931Ile; replaces threonine 931 with isoleucine.
Molecular consequence: missense variant.
Genome position (GRCh38, 1-based): chr1:11,228,906, G>A on the plus strand (C>T on the coding strand, the complement: MTOR is on the minus strand). VCF-style: chr1-11228906-G-A. GRCh37 (hg19) VCF-style: chr1-11288963-G-A.
Other names: short protein forms T931I.
Identifiers: ClinVar variation 833716 (VCV000833716.11), dbSNP rs749267101, ClinGen allele CA590363.